The following is an entry in ClinVar:

ClinVar aggregate classification (germline): Likely benign (1 of 4 stars; one submission).

gnomAD v4.1: 37 of 1,614,070 alleles (0.0023%); highest among the groups gnomAD compares: East Asian, 0.0045%; no homozygotes.

Submission:

CeGaT Center for Human Genetics Tuebingen
Classification: Likely benign. Last evaluated: 2026-09-01. Review status: criteria provided, single submitter. Criteria: CeGaT Center For Human Genetics Tuebingen Variant Classification Criteria Version 2. Collection method: clinical testing. Allele origin: germline. Affected: yes. Observed: 1 variant allele.
Comment: SHANK2: BP4, BP7

NM_012309.5(SHANK2):c.2529G>A (p.Thr843=)

Gene: SHANK2 (SH3 and multiple ankyrin repeat domains 2; minus strand). Cytogenetic location: 11q13.3.
Variant type: single nucleotide variant.
Coding change: c.2529G>A on transcript NM_012309.5 (MANE Select); coding-DNA position 2529, G replaced by A.
Protein change: p.Thr843=; no amino-acid change (threonine 843 retained).
Molecular consequence: synonymous variant. On other transcripts: intron variant (5).
Genome position (GRCh38, 1-based): chr11:70,490,298, C>T on the plus strand (G>A on the coding strand, the complement: SHANK2 is on the minus strand). VCF-style: chr11-70490298-C-T. GRCh37 (hg19) VCF-style: chr11-70336403-C-T.
Other names: c.1392G>A, p.Thr464= (NM_001379226.1); c.2670G>A, p.Thr890= (NM_001441024.1); c.2499G>A, p.Thr833= (NM_001441025.1, NM_001441026.1, NM_001441027.1 and 8 more transcripts); c.2427G>A, p.Thr809= (NM_001441038.1); c.1362G>A, p.Thr454= (NM_001441040.1); c.756G>A, p.Thr252= (NM_001441042.1); c.765G>A, p.Thr255= (NM_001441043.1, NM_133266.5); c.735G>A, p.Thr245= (NM_001441044.1, NM_001441045.1); and 4 more.
Identifiers: ClinVar variation 5041004 (VCV005041004.1).